The following is an entry in ClinVar:

NM_001008215.3(COA5):c.-23C>T

Gene: COA5 (cytochrome c oxidase assembly factor 5; minus strand). Cytogenetic location: 2q11.2.
Variant type: single nucleotide variant.
Coding change: c.-23C>T on transcript NM_001008215.3 (MANE Select); 23 bases upstream of the start codon, C replaced by T.
Molecular consequence: 5 prime UTR variant.
Genome position (GRCh38, 1-based): chr2:98,608,428, G>A on the plus strand (C>T on the coding strand, the complement: COA5 is on the minus strand). VCF-style: chr2-98608428-G-A. GRCh37 (hg19) VCF-style: chr2-99224891-G-A.
Identifiers: ClinVar variation 509861 (VCV000509861.1), dbSNP rs370052087, ClinGen allele CA1795164.

ClinVar aggregate classification (germline): Likely benign (1 of 4 stars; one submission).

Allele frequency attached by ClinVar (database versions not stated): TOPMed 0.00003; gnomAD 0.00005 and 0.00006; gnomAD exomes 0.00006; ESP Exome Variant Server 0.00008; ExAC 0.00011.
gnomAD v4.1: 95 of 1,549,582 alleles (0.0061%); highest among the groups gnomAD compares: Non-Finnish European, 0.0081%; no homozygotes.

Submission:

GeneDx
Classification: Likely benign. Last evaluated: 2017-06-07. Review status: criteria provided, single submitter. Criteria: GeneDx Variant Classification (06012015). Collection method: clinical testing. Allele origin: germline. Affected: yes.
Comment: This variant is considered likely benign or benign based on one or more of the following criteria: it is a conservative change, it occurs at a poorly conserved position in the protein, it is predicted to be benign by multiple in silico algorithms, and/or has population frequency not consistent with disease.